The following is an entry in ClinVar:

NM_001384479.1(AGT):c.310T>C (p.Leu104=)

Gene: AGT (angiotensinogen; minus strand). Cytogenetic location: 1q42.2.
Variant type: single nucleotide variant.
Coding change: c.310T>C on transcript NM_001384479.1 (MANE Select); coding-DNA position 310, T replaced by C.
Protein change: p.Leu104=; no amino-acid change (leucine 104 retained).
Molecular consequence: synonymous variant.
Genome position (GRCh38, 1-based): chr1:230,710,514, A>G on the plus strand (T>C on the coding strand, the complement: AGT is on the minus strand). VCF-style: chr1-230710514-A-G. GRCh37 (hg19) VCF-style: chr1-230846260-A-G.
Other names: NM_000029.3:c.337T>C; c.310T>C, p.Leu104= (NM_001382817.3).
Identifiers: ClinVar variation 1987363 (VCV001987363.6), dbSNP rs374118996, ClinGen allele CA1448326.

ClinVar aggregate classification (germline): Likely benign. Review status: criteria provided, single submitter (1 of 4 stars). 2 submissions from 2 submitters: Likely benign (1). 1 of the submissions does not count toward it. Last evaluated 2026-01-07.

Conditions:
AGT-related disorder. Also called: AGT-related condition.

Allele frequency attached by ClinVar (database versions not stated): TOPMed 0.00004; gnomAD 0.00005; ESP Exome Variant Server 0.00008; ExAC 0.00009; gnomAD exomes 0.00009.

Submissions (2):

Labcorp Genetics (formerly Invitae), Labcorp
Classification: Likely benign. Last evaluated: 2026-01-07. Review status: criteria provided, single submitter. Criteria: Invitae Variant Classification Sherloc (09022015). Collection method: clinical testing. Allele origin: germline.

PreventionGenetics, part of Exact Sciences
Classification: Likely benign for AGT-related condition. Last evaluated: 2020-05-29. Review status: no assertion criteria provided. Collection method: clinical testing. Allele origin: germline. Not counted in ClinVar's aggregate classification.
Comment: This variant is classified as likely benign based on ACMG/AMP sequence variant interpretation guidelines (Richards et al. 2015 PMID: 25741868, with internal and published modifications).